The following is an entry in ClinVar:

ClinVar aggregate classification (germline): Benign/Likely benign. Review status: criteria provided, multiple submitters, no conflicts (2 of 4 stars). 3 submissions from 3 submitters: Benign (1); Likely benign (2). Last evaluated 2026-03-02.

Conditions:
MERTK-related disorder. Also called: MERTK-related condition.

Allele frequency attached by ClinVar (database versions not stated): TOPMed 0.00119; 1000 Genomes Project 30x 0.00203; 1000 Genomes Project 0.00220.
gnomAD v4.1: 317 of 1,610,222 alleles (0.02%); highest among the groups gnomAD compares: African/African-American, 0.38%; no homozygotes.

Submissions (3):

PreventionGenetics, part of Exact Sciences
Classification: Likely benign for MERTK-related condition. Last evaluated: 2026-03-02. Review status: criteria provided, single submitter. Criteria: ACMG Guidelines, 2015. Collection method: clinical testing. Allele origin: germline.
Comment: This variant is classified as likely benign based on ACMG/AMP sequence variant interpretation guidelines (Richards et al. 2015 PMID: 25741868, with internal and published modifications).

Labcorp Genetics (formerly Invitae), Labcorp
Classification: Benign. Last evaluated: 2026-01-19. Review status: criteria provided, single submitter. Criteria: Invitae Variant Classification Sherloc (09022015). Collection method: clinical testing. Allele origin: germline.

Blueprint Genetics
Classification: Likely benign. Last evaluated: 2024-07-04. Review status: criteria provided, single submitter. Criteria: ACMG Guidelines, 2015. Collection method: clinical testing. Allele origin: germline.

NM_006343.3(MERTK):c.1960+8C>G

Gene: MERTK (MER proto-oncogene, tyrosine kinase; plus strand). Cytogenetic location: 2q13.
Variant type: single nucleotide variant.
Coding change: c.1960+8C>G on transcript NM_006343.3 (MANE Select); 8 bases into the intron after coding-DNA position 1960, C replaced by G.
Molecular consequence: intron variant.
Genome position (GRCh38, 1-based): chr2:112,008,483, C>G. VCF-style: chr2-112008483-C-G. GRCh37 (hg19) VCF-style: chr2-112766060-C-G.
Identifiers: ClinVar variation 735878 (VCV000735878.13), dbSNP rs112541306, ClinGen allele CA1831596.